The following is an entry in ClinVar:

NC_000016.9:g.(14031716_14038579)_(14038693_14041470)del

Gene: ERCC4 (ERCC excision repair 4, endonuclease catalytic subunit; plus strand). Cytogenetic location: 16p13.12.
Variant type: Deletion.
Identifiers: ClinVar variation 1683311 (VCV001683311.1).

ClinVar aggregate classification (germline): Likely pathogenic (1 of 4 stars; one submission).

Conditions:
Xeroderma pigmentosum (XP). Identifiers: Orphanet 910, MedGen C0043346, MONDO:0019600.

Submission:

Women's Health and Genetics/Laboratory Corporation of America, LabCorp
Classification: Likely pathogenic for Xeroderma pigmentosum. Last evaluated: 2022-04-07. Review status: criteria provided, single submitter. Criteria: LabCorp Variant Classification Summary - May 2015. Collection method: clinical testing. Allele origin: germline.
Comment: Variant summary: The variant identified by MLPA or other technology involves the deletion of exon 10 in the ERCC4 gene. A presumed nomenclature of c.(1904+1_1905-1)_(2017+1_2018-1)del has been designated for the purposes of this classification. Although exact breakpoints of this deletion are not known, it is expected to result in a frameshift deletion change in the ERCC4 gene, a known mechanism of disease. The variant was absent in 21694 control chromosomes (gnomAD, Structural Variants dataset). To our knowledge, no occurrence of c.(1904+1_1905-1)_(2017+1_2018-1)del in individuals affected with Xeroderma Pigmentosum and no experimental evidence demonstrating its impact on protein function have been reported. No clinical diagnostic laboratories have submitted clinical-significance assessments for this variant to ClinVar after 2014. Based on the evidence outlined above, the variant was classified as likely pathogenic.